The following is an entry in ClinVar:

ClinVar aggregate classification (germline): Benign. Review status: criteria provided, multiple submitters, no conflicts (2 of 4 stars). 4 submissions from 4 submitters: Benign (4). Last evaluated 2026-02-04.

Conditions:
Knobloch syndrome (KNO). Also called: RETINAL DETACHMENT AND OCCIPITAL ENCEPHALOCELE; Myopia retinal detachment encephalocele. Identifiers: Orphanet 1571, MedGen C1849409, MONDO:0800166.

Allele frequency attached by ClinVar (database versions not stated): 1000 Genomes Project 30x 0.02717; gnomAD 0.02722 and 0.02780; 1000 Genomes Project 0.02855; TOPMed 0.02880; ESP Exome Variant Server 0.02896; gnomAD exomes 0.03220 and 0.03784; ExAC 0.04536.

Submissions (4):

Labcorp Genetics (formerly Invitae), Labcorp
Classification: Benign. Last evaluated: 2026-02-04. Review status: criteria provided, single submitter. Criteria: Invitae Variant Classification Sherloc (09022015). Collection method: clinical testing. Allele origin: germline.

Illumina Laboratory Services, Illumina
Classification: Benign for Knobloch syndrome 1. Last evaluated: 2018-01-12. Review status: criteria provided, single submitter. Criteria: ICSL Variant Classification Criteria 13 December 2019. Collection method: clinical testing. Allele origin: germline.
Comment: This variant was observed in the ICSL laboratory as part of a predisposition screen in an ostensibly healthy population. It had not been previously curated by ICSL or reported in the Human Gene Mutation Database (HGMD: prior to June 1st, 2018), and was therefore a candidate for classification through an automated scoring system. Utilizing variant allele frequency, disease prevalence and penetrance estimates, and inheritance mode, an automated score was calculated to assess if this variant is too frequent to cause the disease. Based on the score and internal cut-off values, a variant classified as benign is not then subjected to further curation. The score for this variant resulted in a classification of benign for this disease.

Breakthrough Genomics
Classification: Benign. Review status: criteria provided, single submitter. Criteria: ACMG Guidelines, 2015. Collection method: not provided. Allele origin: germline. Inheritance: Autosomal recessive inheritance. Affected: yes.

PreventionGenetics, part of Exact Sciences
Classification: Benign. Review status: criteria provided, single submitter. Criteria: ACMG Guidelines, 2015. Collection method: clinical testing. Allele origin: germline.

NM_001379500.1(COL18A1):c.915G>T (p.Val305=)

Gene: COL18A1 (collagen type XVIII alpha 1 chain; plus strand). Cytogenetic location: 21q22.3.
Variant type: single nucleotide variant.
Coding change: c.915G>T on transcript NM_001379500.1 (MANE Select); coding-DNA position 915, G replaced by T.
Protein change: p.Val305=; no amino-acid change (valine 305 retained).
Molecular consequence: synonymous variant.
Genome position (GRCh38, 1-based): chr21:45,476,467, G>T. VCF-style: chr21-45476467-G-T. GRCh37 (hg19) VCF-style: chr21-46896381-G-T.
Other names: NM_130445.2:c.915G>T; c.1455G>T, p.Val485= (NM_030582.4); c.2160G>T, p.Val720= (NM_130444.3).
Identifiers: ClinVar variation 261888 (VCV000261888.15), dbSNP rs17338853, ClinGen allele CA10065985.